The following is an entry in ClinVar:

NM_000925.4(PDHB):c.303+16T>C

Gene: PDHB (pyruvate dehydrogenase E1 subunit beta; minus strand). Cytogenetic location: 3p14.3.
Variant type: single nucleotide variant.
Coding change: c.303+16T>C on transcript NM_000925.4 (MANE Select); 16 bases into the intron after coding-DNA position 303, T replaced by C.
Molecular consequence: intron variant.
Genome position (GRCh38, 1-based): chr3:58,431,577, A>G on the plus strand (T>C on the coding strand, the complement: PDHB is on the minus strand). VCF-style: chr3-58431577-A-G. GRCh37 (hg19) VCF-style: chr3-58417304-A-G.
Other names: c.249+16T>C (NM_001315536.2); c.303+16T>C (NM_001173468.2).
Identifiers: ClinVar variation 138651 (VCV000138651.33), dbSNP rs75014325, ClinGen allele CA292729.
Genomic context (GRCh38, chr3:58,431,577, plus strand): 5'-TGAGACTCTGTCTCAAAAGAAAAAAAAAGAAAACAAGAAATGTCTTTGGATAAGTTTCAT[A>G]AAGAGTATTACATACCATAGCTGCACCTACAGCAATTCCAGCAAAGCCCATCTATAAAGT-3'

ClinVar aggregate classification (germline): Benign/Likely benign. Review status: criteria provided, multiple submitters, no conflicts (2 of 4 stars). 4 submissions from 4 submitters: Benign (3); Likely benign (1). Last evaluated 2026-07-01.

Conditions:
Pyruvate dehydrogenase E1-beta deficiency (PDHBD). Identifiers: Orphanet 255138, Orphanet 765, MedGen C3279841, MONDO:0013580, OMIM 614111.

Allele frequency attached by ClinVar (database versions not stated): 1000 Genomes Project 0.00200; 1000 Genomes Project 30x 0.00234; ESP Exome Variant Server 0.00308; TOPMed 0.00379; gnomAD 0.00417.

Submissions (4):

CeGaT Center for Human Genetics Tuebingen
Classification: Likely benign. Last evaluated: 2026-07-01. Review status: criteria provided, single submitter. Criteria: CeGaT Center For Human Genetics Tuebingen Variant Classification Criteria Version 2. Collection method: clinical testing. Allele origin: germline. Affected: yes. Observed: 16 variant alleles.
Comment: PDHB: BS2

Labcorp Genetics (formerly Invitae), Labcorp
Classification: Benign for Pyruvate dehydrogenase E1-beta deficiency. Last evaluated: 2026-02-01. Review status: criteria provided, single submitter. Criteria: Invitae Variant Classification Sherloc (09022015). Collection method: clinical testing. Allele origin: germline.

GeneDx
Classification: Benign. Last evaluated: 2013-04-12. Review status: criteria provided, single submitter. Criteria: GeneDx Variant Classification (06012015). Collection method: clinical testing. Allele origin: germline. Affected: yes.
Comment: This variant is considered likely benign or benign based on one or more of the following criteria: it is a conservative change, it occurs at a poorly conserved position in the protein, it is predicted to be benign by multiple in silico algorithms, and/or has population frequency not consistent with disease.

Breakthrough Genomics
Classification: Benign. Review status: criteria provided, single submitter. Criteria: ACMG Guidelines, 2015. Collection method: not provided. Allele origin: germline. Inheritance: Autosomal recessive inheritance. Affected: yes.